The following is an entry in ClinVar:

NM_031844.3(HNRNPU):c.2155T>G (p.Phe719Val)

Gene: HNRNPU (heterogeneous nuclear ribonucleoprotein U; minus strand). Cytogenetic location: 1q44.
Variant type: single nucleotide variant.
Coding change: c.2155T>G on transcript NM_031844.3 (MANE Select); coding-DNA position 2155, T replaced by G.
Protein change: p.Phe719Val; replaces phenylalanine 719 with valine.
Molecular consequence: missense variant.
Genome position (GRCh38, 1-based): chr1:244,855,916, A>C on the plus strand (T>G on the coding strand, the complement: HNRNPU is on the minus strand). VCF-style: chr1-244855916-A-C. GRCh37 (hg19) VCF-style: chr1-245019218-A-C.
Other names: c.2098T>G, p.Phe700Val (NM_004501.3); short protein forms F719V, F700V.
Identifiers: ClinVar variation 3651435 (VCV003651435.2).

ClinVar aggregate classification (germline): Uncertain significance (1 of 4 stars; one submission).

Conditions:
Developmental and epileptic encephalopathy, 54. Also called: Epileptic encephalopathy, early infantile, 54; HNRNPU-Related Neurodevelopmental Disorder. Identifiers: MedGen C4479319, MONDO:0033363, OMIM 617391.

Submission:

Labcorp Genetics (formerly Invitae), Labcorp
Classification: Uncertain significance for Developmental and epileptic encephalopathy, 54. Last evaluated: 2024-05-05. Review status: criteria provided, single submitter. Criteria: Invitae Variant Classification Sherloc (09022015). Collection method: clinical testing. Allele origin: germline.
Comment: This sequence change replaces phenylalanine, which is neutral and non-polar, with valine, which is neutral and non-polar, at codon 719 of the HNRNPU protein (p.Phe719Val). This variant is not present in population databases (gnomAD no frequency). This variant has not been reported in the literature in individuals affected with HNRNPU-related conditions. Advanced modeling of protein sequence and biophysical properties (such as structural, functional, and spatial information, amino acid conservation, physicochemical variation, residue mobility, and thermodynamic stability) performed at Invitae indicates that this missense variant is expected to disrupt HNRNPU protein function with a positive predictive value of 80%. In summary, the available evidence is currently insufficient to determine the role of this variant in disease. Therefore, it has been classified as a Variant of Uncertain Significance.